The following is an entry in ClinVar:

NC_012920.1(MT-ND5):m.14122A>G

Gene: MT-ND5 (mitochondrially encoded NADH dehydrogenase 5; plus strand).
Variant type: single nucleotide variant.
Genome position: chrM-14122-A-G.
Identifiers: ClinVar variation 693669 (VCV000693669.1), dbSNP rs1603224535, ClinGen allele CA414821017.

ClinVar aggregate classification (germline): Benign (1 of 4 stars; one submission).

Conditions:
Leigh syndrome (NULS). Also called: Leigh's necrotizing encephalopathy; Leigh's disease; Leigh's syndrome; LEIGH SYNDROME, NUCLEAR; Leigh Syndrome (mtDNA deletion); Leigh Disease. Identifiers: Orphanet 506, MedGen C2931891, MONDO:0009723, OMIM 256000.

Submission:

Wong Mito Lab, Molecular and Human Genetics, Baylor College of Medicine
Classification: Benign for Leigh syndrome. Last evaluated: 2019-10-17. Review status: criteria provided, single submitter. Criteria: Modified ACMG Guidelines (Unpublished). Collection method: clinical testing. Allele origin: germline.
Comment: The NC_012920.1:m.14122A>G (YP_003024036.1:p.Ile596Val) variant in MTND5 gene is interpretated to be a Benign variant based on the modified ACMG guidelines (unpublished). This variant meets the following evidence codes: BS1, BS2, BP4